The following is an entry in ClinVar:

ClinVar aggregate classification (germline): Uncertain significance (1 of 4 stars; one submission).

Conditions:
Cystic fibrosis (CF). Also called: MUCOVISCIDOSIS. Identifiers: Orphanet 586, MedGen C0010674, MONDO:0009061, OMIM 219700. Disease mechanism: loss of function.

Submission:

Ambry Genetics
Classification: Uncertain significance for Cystic fibrosis. Last evaluated: 2024-02-22. Review status: criteria provided, single submitter. Criteria: Ambry Variant Classification Scheme 2023. Collection method: clinical testing. Allele origin: germline.
Comment: The p.D806H variant (also known as c.2416G>C), located in coding exon 14 of the CFTR gene, results from a G to C substitution at nucleotide position 2416. The aspartic acid at codon 806 is replaced by histidine, an amino acid with similar properties. This amino acid position is conserved. In addition, this alteration is predicted to be deleterious by in silico analysis. Based on the available evidence, the clinical significance of this alteration remains unclear.

NM_000492.4(CFTR):c.2416G>C (p.Asp806His)

Gene: CFTR (CF transmembrane conductance regulator; plus strand). Cytogenetic location: 7q31.2.
Variant type: single nucleotide variant.
Coding change: c.2416G>C on transcript NM_000492.4 (MANE Select); coding-DNA position 2416, G replaced by C.
Protein change: p.Asp806His; replaces aspartic acid 806 with histidine.
Molecular consequence: missense variant.
Genome position (GRCh38, 1-based): chr7:117,592,583, G>C. VCF-style: chr7-117592583-G-C. GRCh37 (hg19) VCF-style: chr7-117232637-G-C.
Other names: short protein forms D806H.
Identifiers: ClinVar variation 3231859 (VCV003231859.1), dbSNP rs2485110772, ClinGen allele CA368981191.